The following is an entry in ClinVar:

ClinVar aggregate classification (germline): Uncertain significance (1 of 4 stars; one submission).

Conditions:
Fanconi anemia (FA). Also called: Fanconi's anemia. Identifiers: Orphanet 84, MedGen C0015625, MeSH D005199, MONDO:0019391.

Submission:

Labcorp Genetics (formerly Invitae), Labcorp
Classification: Uncertain significance for Fanconi anemia. Last evaluated: 2021-05-28. Review status: criteria provided, single submitter. Criteria: Invitae Variant Classification Sherloc (09022015). Collection method: clinical testing. Allele origin: germline.
Comment: Experimental studies and prediction algorithms are not available or were not evaluated, and the functional significance of this variant is currently unknown. In summary, the available evidence is currently insufficient to determine the role of this variant in disease. Therefore, it has been classified as a Variant of Uncertain Significance. This variant has not been reported in the literature in individuals with SLX4-related conditions. The frequency data for this variant in the population databases is considered unreliable, as metrics indicate poor data quality at this position in the ExAC database. This variant, c.856_858del, results in the deletion of 1 amino acid(s) of the SLX4 protein (p.Asp286del), but otherwise preserves the integrity of the reading frame.

NM_032444.4(SLX4):c.853GAT[1] (p.Asp286del)

Gene: SLX4 (SLX4 structure-specific endonuclease subunit; minus strand). Cytogenetic location: 16p13.3.
Variant type: Microsatellite.
Coding change: c.853GAT[1] on transcript NM_032444.4 (MANE Select); one copy of the 3-base unit GAT starting at c.853; the reference has two copies in a row; one copy, 3 bases deleted.
Protein change: p.Asp286del; deletes aspartic acid 286.
Molecular consequence: inframe deletion.
Genome position (GRCh38, 1-based): chr16:3,602,210-3,602,212, ATC deleted on the plus strand (GAT on the coding strand, the reverse complement: SLX4 is on the minus strand); deleting any 3 consecutive bases within chr16:3,602,210-3,602,217 gives the same sequence; the position shown is the placement nearest the transcript's 3' end. VCF-style (leftmost placement, unchanged base first): chr16-3602209-TATC-T. GRCh37 (hg19) VCF-style: chr16-3652210-TATC-T.
Other names: short protein forms D286del.
Identifiers: ClinVar variation 1420869 (VCV001420869.8), dbSNP rs761185763, ClinGen allele CA7866722.